The following is an entry in ClinVar:

NM_002476.2(MYL4):c.392C>G (p.Thr131Ser)

Gene: MYL4 (myosin light chain 4; plus strand). Cytogenetic location: 17q21.32.
Variant type: single nucleotide variant.
Coding change: c.392C>G on transcript NM_002476.2 (MANE Select); coding-DNA position 392, C replaced by G.
Protein change: p.Thr131Ser; replaces threonine 131 with serine.
Molecular consequence: missense variant.
Genome position (GRCh38, 1-based): chr17:47,221,760, C>G. VCF-style: chr17-47221760-C-G. GRCh37 (hg19) VCF-style: chr17-45299126-C-G.
Other names: c.392C>G, p.Thr131Ser (NM_001002841.2); short protein forms T131S.
Identifiers: ClinVar variation 4736286 (VCV004736286.1).
Genomic context (GRCh38, chr17:47,221,760, plus strand): 5'-TGGACTTTGAGACGTTCTTGCCCATCCTGCAGCACATTTCCCGCAACAAGGAGCAGGGCA[C>G]CTATGAGGACTTCGTGGAGGGCCTGCGTGTCTTTGACAAGGAGAGCAATGGCACGGTCAT-3'
Protein context (NP_002467.1, residues 121-141): QHISRNKEQG[Thr131Ser]YEDFVEGLRV

ClinVar aggregate classification (germline): Uncertain significance (1 of 4 stars; one submission).

Conditions:
Atrial fibrillation, familial, 18 (ATFB18). Identifiers: MedGen C4310636, MONDO:0015001, OMIM 617280.

gnomAD v4.1: 1 of 1,614,158 alleles (0.000062%); highest among the groups gnomAD compares: Non-Finnish European, 0.000085%; no homozygotes.

Submission:

Labcorp Genetics (formerly Invitae), Labcorp
Classification: Uncertain significance for Atrial fibrillation, familial, 18. Last evaluated: 2026-01-27. Review status: criteria provided, single submitter. Criteria: Invitae Variant Classification Sherloc (09022015). Collection method: clinical testing. Allele origin: germline.
Comment: This sequence change replaces threonine, which is neutral and polar, with serine, which is neutral and polar, at codon 131 of the MYL4 protein (p.Thr131Ser). This variant is not present in population databases (gnomAD no frequency). This variant has not been reported in the literature in individuals affected with MYL4-related conditions. An algorithm developed to predict the effect of missense changes on protein structure and function (PolyPhen-2) suggests that this variant is likely to be tolerated. In summary, the available evidence is currently insufficient to determine the role of this variant in disease. Therefore, it has been classified as a Variant of Uncertain Significance.